The following is an entry in ClinVar:

NM_014425.5(INVS):c.368G>A (p.Arg123Gln)

Gene: INVS (inversin; plus strand). Cytogenetic location: 9q31.1.
Variant type: single nucleotide variant.
Coding change: c.368G>A on transcript NM_014425.5 (MANE Select); coding-DNA position 368, G replaced by A.
Protein change: p.Arg123Gln; replaces arginine 123 with glutamine.
Molecular consequence: missense variant. On other transcripts: 5 prime UTR variant (1), non-coding transcript variant (1).
Genome position (GRCh38, 1-based): chr9:100,226,156, G>A. VCF-style: chr9-100226156-G-A. GRCh37 (hg19) VCF-style: chr9-102988438-G-A.
Other names: p.Arg123Gln; c.80G>A, p.Arg27Gln (NM_001318381.2); c.-622G>A (NM_001318382.2); c.368G>A (NM_014425.2); short protein forms R123Q, R27Q.
Identifiers: ClinVar variation 935818 (VCV000935818.10), dbSNP rs757534991, ClinGen allele CA5158147.
Genomic context (GRCh38, chr9:100,226,156, plus strand): 5'-GCAGAGCAAACTGGATGCAAAAGGATCTGGAAGAGATGACTCCTTTGCACTTGACCACCC[G>A]GCACAGGAGCCCTAAGTGTTTGGCACTTCTGCTGAAGTTTATGGCACCAGGAGAAGTGGA-3'
Protein context (NP_055240.2, residues 113-133): EEMTPLHLTT[Arg123Gln]HRSPKCLALL

ClinVar aggregate classification (germline): Uncertain significance. Review status: criteria provided, multiple submitters, no conflicts (2 of 4 stars). 4 submissions from 4 submitters: Uncertain significance (4). Last evaluated 2025-01-19.

Conditions:
Inborn genetic diseases. Identifiers: MedGen C0950123, MeSH D030342.
Nephronophthisis. Also called: Juvenile Nephronophthisis. Identifiers: Orphanet 655, MedGen C0687120, MONDO:0019005, HP:0000090.
Infantile nephronophthisis (NPHP2). Also called: Nephronophthisis 2; Nephronophthisis 2, infantile. Identifiers: Orphanet 655, Orphanet 93591, MedGen C1865872, MONDO:0011190, OMIM 602088.

Allele frequency attached by ClinVar (database versions not stated): gnomAD 0.00001; gnomAD exomes 0.00002 and 0.00005; ExAC 0.00003; TOPMed 0.00003.
gnomAD v4.1: 70 of 1,613,804 alleles (0.0043%); highest among the groups gnomAD compares: Non-Finnish European, 0.0053%; no homozygotes.

Submissions (4):

Ambry Genetics
Classification: Uncertain significance for Inborn genetic diseases. Last evaluated: 2025-01-19. Review status: criteria provided, single submitter. Criteria: Ambry Variant Classification Scheme 2023. Collection method: clinical testing. Allele origin: germline.

Mayo Clinic Laboratories, Mayo Clinic
Classification: Uncertain significance. Last evaluated: 2023-12-29. Review status: criteria provided, single submitter. Criteria: ACMG Guidelines, 2015. Collection method: clinical testing. Allele origin: germline. Observed: 1 variant allele.
Comment: BP4, PM2_moderate

Labcorp Genetics (formerly Invitae), Labcorp
Classification: Uncertain significance for Nephronophthisis. Last evaluated: 2022-03-10. Review status: criteria provided, single submitter. Criteria: Invitae Variant Classification Sherloc (09022015). Collection method: clinical testing. Allele origin: germline.
Comment: This sequence change replaces arginine, which is basic and polar, with glutamine, which is neutral and polar, at codon 123 of the INVS protein (p.Arg123Gln). This variant is present in population databases (rs757534991, gnomAD 0.004%). This variant has not been reported in the literature in individuals affected with INVS-related conditions. ClinVar contains an entry for this variant (Variation ID: 935818). Algorithms developed to predict the effect of missense changes on protein structure and function (SIFT, PolyPhen-2, Align-GVGD) all suggest that this variant is likely to be disruptive. Algorithms developed to predict the effect of sequence changes on RNA splicing suggest that this variant may create or strengthen a splice site. In summary, the available evidence is currently insufficient to determine the role of this variant in disease. Therefore, it has been classified as a Variant of Uncertain Significance.

Fulgent Genetics
Classification: Uncertain significance for Infantile nephronophthisis. Last evaluated: 2021-11-04. Review status: criteria provided, single submitter. Criteria: ACMG Guidelines, 2015. Collection method: clinical testing. Allele origin: unknown.